The following is an entry in ClinVar:

NM_001271.4(CHD2):c.1035G>C (p.Glu345Asp)

Gene: CHD2 (chromodomain helicase DNA binding protein 2; plus strand). Cytogenetic location: 15q26.1.
Variant type: single nucleotide variant.
Coding change: c.1035G>C on transcript NM_001271.4 (MANE Select); coding-DNA position 1035, G replaced by C.
Protein change: p.Glu345Asp; replaces glutamic acid 345 with aspartic acid.
Molecular consequence: missense variant.
Genome position (GRCh38, 1-based): chr15:92,943,051, G>C. VCF-style: chr15-92943051-G-C. GRCh37 (hg19) VCF-style: chr15-93486281-G-C.
Other names: c.1035G>C, p.Glu345Asp (NM_001042572.3); short protein forms E345D.
Identifiers: ClinVar variation 513214 (VCV000513214.1), dbSNP rs1555439555, ClinGen allele CA393902264.
Genomic context (GRCh38, chr15:92,943,051, plus strand): 5'-ATCCTTACAGCAACAGAAAGTGAAGGGCCTAAAAAAACTAGAGAACTTCAAGAAAAAAGA[G>C]GACGAAATCAAACAATGGTATATTTTCCATCATGGATTAAAGAAATGTATTTGCAGCCTG-3'
Protein context (NP_001262.3, residues 335-355): LKKLENFKKK[Glu345Asp]DEIKQWLGKV

ClinVar aggregate classification (germline): Likely benign (1 of 4 stars; one submission).

Submission:

GeneDx
Classification: Likely benign. Last evaluated: 2018-01-16. Review status: criteria provided, single submitter. Criteria: GeneDx Variant Classification (06012015). Collection method: clinical testing. Allele origin: germline. Affected: yes.
Comment: This variant is considered likely benign or benign based on one or more of the following criteria: it is a conservative change, it occurs at a poorly conserved position in the protein, it is predicted to be benign by multiple in silico algorithms, and/or has population frequency not consistent with disease.